The following is an entry in ClinVar:

NM_001064.4(TKT):c.1285A>G (p.Met429Val)

Genes: TKT (transketolase; minus strand), LOC126806684 (CDK7 strongly-dependent group 2 enhancer GRCh37_chr3:53261945-53263144; plus strand). Cytogenetic location: 3p21.1.
Variant type: single nucleotide variant.
Coding change: c.1285A>G on transcript NM_001064.4 (MANE Select); coding-DNA position 1285, A replaced by G.
Protein change: p.Met429Val; replaces methionine 429 with valine.
Molecular consequence: missense variant. On other transcripts: non-coding transcript variant (1).
Genome position (GRCh38, 1-based): chr3:53,229,117, T>C on the plus strand (A>G on the coding strand, the complement: TKT is on the minus strand). VCF-style: chr3-53229117-T-C. GRCh37 (hg19) VCF-style: chr3-53263133-T-C.
Other names: c.1285A>G, p.Met429Val (NM_001135055.3); c.1309A>G, p.Met437Val (NM_001258028.2); short protein forms M429V, M437V.
Identifiers: ClinVar variation 5006661 (VCV005006661.2).

ClinVar aggregate classification (germline): Uncertain significance (1 of 4 stars; one submission).

Conditions:
Transketolase deficiency. Also called: Short stature, developmental delay, and congenital heart defects. Identifiers: Orphanet 488618, MedGen C5700245, MONDO:0014881, OMIM 617044.

Submission:

Juno Genomics, Hangzhou Juno Genomics, Inc
Classification: Uncertain significance for Transketolase deficiency. Review status: criteria provided, single submitter. Criteria: ACMG Guidelines, 2015. Collection method: clinical testing. Allele origin: germline.
Comment: Absent from controls (or at extremely low frequency if recessive) in Genome Aggregation Database.;Multiple lines of computational evidence support a deleterious effect on the gene or gene product.